The following is an entry in ClinVar:

ClinVar aggregate classification (germline): Uncertain significance (1 of 4 stars; one submission).

Allele frequency attached by ClinVar (database versions not stated): gnomAD exomes below 0.00001; ExAC 0.00001.

Submission:

Ambry Genetics
Classification: Uncertain significance. Last evaluated: 2021-08-18. Review status: criteria provided, single submitter. Criteria: Ambry Variant Classification Scheme 2023. Collection method: clinical testing. Allele origin: germline.
Comment: The p.P200S variant (also known as c.598C>T), located in coding exon 1 of the PALLD gene, results from a C to T substitution at nucleotide position 598. The proline at codon 200 is replaced by serine, an amino acid with similar properties. This amino acid position is conserved. In addition, this alteration is predicted to be tolerated by in silico analysis. Since supporting evidence is limited at this time, the clinical significance of this alteration remains unclear.

NM_001166108.2(PALLD):c.598C>T (p.Pro200Ser)

Gene: PALLD (palladin, cytoskeletal associated protein; plus strand). Cytogenetic location: 4q32.3.
Variant type: single nucleotide variant.
Coding change: c.598C>T on transcript NM_001166108.2 (MANE Select); coding-DNA position 598, C replaced by T.
Protein change: p.Pro200Ser; replaces proline 200 with serine.
Molecular consequence: missense variant.
Genome position (GRCh38, 1-based): chr4:168,512,102, C>T. VCF-style: chr4-168512102-C-T. GRCh37 (hg19) VCF-style: chr4-169433253-C-T.
Other names: c.598C>T, p.Pro200Ser (NM_016081.4); short protein forms P200S.
Identifiers: ClinVar variation 1750882 (VCV001750882.2), dbSNP rs749824470, ClinGen allele CA3135398.
Genomic context (GRCh38, chr4:168,512,102, plus strand): 5'-ACATCCATATTTAAAGCCGCAAAGCCAAGAAACAGAAGCCCAAATGGGGAGTCCTCGTCA[C>T]CAGACAGTGGGTACCTGTCTCCTAAAAATCAGCCGTCAGCCCTGCTGAGTGCCTCAGCCA-3'
Protein context (NP_001159580.1, residues 190-210): NRSPNGESSS[Pro200Ser]DSGYLSPKNQ